The following is an entry in ClinVar:

NM_001999.4(FBN2):c.2359T>A (p.Leu787Ile)

Gene: FBN2 (fibrillin 2; minus strand). Cytogenetic location: 5q23.3.
Variant type: single nucleotide variant.
Coding change: c.2359T>A on transcript NM_001999.4 (MANE Select); coding-DNA position 2359, T replaced by A.
Protein change: p.Leu787Ile; replaces leucine 787 with isoleucine.
Molecular consequence: missense variant.
Genome position (GRCh38, 1-based): chr5:128,364,669, A>T on the plus strand (T>A on the coding strand, the complement: FBN2 is on the minus strand). VCF-style: chr5-128364669-A-T. GRCh37 (hg19) VCF-style: chr5-127700362-A-T.
Other names: short protein forms L787I.
Identifiers: ClinVar variation 547354 (VCV000547354.13), dbSNP rs756348656, ClinGen allele CA3395573.
Genomic context (GRCh38, chr5:128,364,669, plus strand): 5'-TTCTTCCAGAGGCATCTGGTTCATAGCCACTGTTGCAATTACAACGGTAACTACCACGTA[A>T]GTTTTCACAAATCCCATTGGCACATATATCAGGATCCAAAGCACATTCATTGATATCTGC-3'
Protein context (NP_001990.2, residues 777-797): DICANGICEN[Leu787Ile]RGSYRCNCNS

ClinVar aggregate classification (germline): Conflicting classifications of pathogenicity. Review status: criteria provided, conflicting classifications (1 of 4 stars). 5 submissions from 5 submitters: Uncertain significance (3); Likely benign (2). Last evaluated 2026-03-30.

Conditions:
Congenital contractural arachnodactyly (CCA). Also called: BEALS SYNDROME; Arthrogryposis, distal, type 9; Beals-Hecht syndrome. Identifiers: Orphanet 115, MedGen C0220668, MONDO:0007363, OMIM 121050.
Familial thoracic aortic aneurysm and aortic dissection (TAAD). Also called: Thoracic aortic aneurysms and dissections. Identifiers: Orphanet 91387, MedGen C4707243, MONDO:0019625.
Connective tissue disorder. Also called: Connective tissue disease. Identifiers: MedGen C0009782, MONDO:0003900.

Allele frequency attached by ClinVar (database versions not stated): TOPMed 0.00002.

Submissions (5):

Ambry Genetics
Classification: Uncertain significance for Familial thoracic aortic aneurysm and aortic dissection. Last evaluated: 2026-03-30. Review status: criteria provided, single submitter. Criteria: Ambry Variant Classification Scheme 2023. Collection method: clinical testing. Allele origin: germline.
Comment: The p.L787I variant (also known as c.2359T>A), located in coding exon 18 of the FBN2 gene, results from a T to A substitution at nucleotide position 2359. The leucine at codon 787 is replaced by isoleucine, an amino acid with highly similar properties. This amino acid position is conserved. In addition, the in silico prediction for this alteration is inconclusive. Based on the available evidence, the clinical significance of this variant remains unclear.

Women's Health and Genetics/Laboratory Corporation of America, LabCorp
Classification: Uncertain significance. Last evaluated: 2026-03-20. Review status: criteria provided, single submitter. Criteria: LabCorp Variant Classification Summary - May 2015. Collection method: clinical testing. Allele origin: germline.

Labcorp Genetics (formerly Invitae), Labcorp
Classification: Likely benign for Congenital contractural arachnodactyly. Last evaluated: 2025-04-07. Review status: criteria provided, single submitter. Criteria: Invitae Variant Classification Sherloc (09022015). Collection method: clinical testing. Allele origin: germline.

GeneDx
Classification: Uncertain significance. Last evaluated: 2024-08-29. Review status: criteria provided, single submitter. Criteria: GeneDx Variant Classification Process June 2021. Collection method: clinical testing. Allele origin: germline. Affected: yes.
Comment: Has not been previously published as pathogenic or benign to our knowledge; Not observed at significant frequency in large population cohorts (gnomAD); Although located in a calcium-binding EGF-like domain of the FBN2 gene, it does not substitute or introduce a cysteine residue (PMID: 19006240, 18767143); In silico analysis indicates that this missense variant does not alter protein structure/function; This variant is associated with the following publications: (PMID: 19006240, 18767143)

Center for Human Genetics, Inc
Classification: Likely benign for Connective tissue disorder. Last evaluated: 2016-11-01. Review status: criteria provided, single submitter. Criteria: ACMG Guidelines, 2015. Collection method: clinical testing. Allele origin: germline. Affected: yes.